The following is an entry in ClinVar:

ClinVar aggregate classification (germline): Uncertain significance. Review status: criteria provided, multiple submitters, no conflicts (2 of 4 stars). 3 submissions from 3 submitters: Uncertain significance (3). Last evaluated 2026-04-14.

Conditions:
Familial intrahepatic cholestasis. Identifiers: Orphanet 284385, MedGen CN296401, MONDO:0017290.
Progressive familial intrahepatic cholestasis type 2. Identifiers: Orphanet 79304, MedGen C3489789, MONDO:0011156, OMIM 601847.

Allele frequency attached by ClinVar (database versions not stated): gnomAD 0.00001; TOPMed 0.00001; ExAC 0.00002; gnomAD exomes 0.00002.
gnomAD v4.1: 25 of 1,612,490 alleles (0.0016%); highest among the groups gnomAD compares: Non-Finnish European, 0.0021%; no homozygotes.

Submissions (3):

Genomenon, Inc
Classification: Uncertain significance for Familial intrahepatic cholestasis. Last evaluated: 2026-04-14. Review status: criteria provided, single submitter. Criteria: Genomenon Sequence Variant Interpretation Standards - Updated. Collection method: curation. Allele origin: germline. Affected: yes.
Comment: ABCB11 p.Thr655Ile (c.1964C>T) is a missense variant that changes the amino acid at residue 655 from Threonine to Isoleucine. This variant has been observed in at least one proband with an ABCB11-related disorder (PMID:19101985). Functional studies have been reported (PMID:19101985). It is absent or not present at a significant frequency in gnomAD. In silico models predict that this variant is possibly or probably damaging. In conclusion, we classify ABCB11 p.Thr655Ile (c.1964C>T) as a variant of uncertain significance.

Broad Center for Mendelian Genomics, Broad Institute of MIT and Harvard
Classification: Uncertain significance for Progressive familial intrahepatic cholestasis type 2. Last evaluated: 2025-01-24. Review status: criteria provided, single submitter. Criteria: ACMG Guidelines, 2015. Collection method: curation. Allele origin: germline. Inheritance: Autosomal recessive inheritance.
Comment: Although this variant has been seen in the general population in a heterozygous state, its frequency is low enough to be consistent with a recessive carrier frequency. This variant has also been reported in ClinVar (Variation ID: 594287) and has been interpreted as a variant of uncertain significance by Eurofins Ntd Llc (ga). In vitro functional studies provide some evidence that the p.Thr655Ile variant may slightly impact protein function (PMID: 19101985). However, these types of assays may not accurately represent biological function. Computational prediction tools and conservation analyses do not provide strong support for or against an impact to the protein. In summary, while there is some suspicion for a pathogenic role, the clinical significance of this variant is uncertain. ACMG/AMP Criteria applied: PP3_moderate, PM2_supporting, PS3_supporting (Richards 2015).

Eurofins Ntd Llc (ga)
Classification: Uncertain significance. Last evaluated: 2017-09-29. Review status: criteria provided, single submitter. Criteria: EGL Classification Definitions 2015. Collection method: clinical testing. Allele origin: germline. Observed: 1 variant allele, 1 heterozygote.

Literature cited by the submitters: PubMed 19101985 (cited by 3 submitters).

NM_003742.4(ABCB11):c.1964C>T (p.Thr655Ile)

Gene: ABCB11 (ATP binding cassette subfamily B member 11; minus strand). Cytogenetic location: 2q31.1.
Variant type: single nucleotide variant.
Coding change: c.1964C>T on transcript NM_003742.4 (MANE Select); coding-DNA position 1964, C replaced by T.
Protein change: p.Thr655Ile; replaces threonine 655 with isoleucine.
Molecular consequence: missense variant.
Genome position (GRCh38, 1-based): chr2:168,969,397, G>A on the plus strand (C>T on the coding strand, the complement: ABCB11 is on the minus strand). VCF-style: chr2-168969397-G-A. GRCh37 (hg19) VCF-style: chr2-169825907-G-A.
Other names: NM_003742.4(ABCB11):c.1964C>T; p.Thr655Ile; c.1964C>T, p.Thr655Ile (LRG_1199t1); short protein forms T655I.
Identifiers: ClinVar variation 594287 (VCV000594287.6), dbSNP rs775969731, ClinGen allele CA1951421.